The following is an entry in ClinVar:

NM_001256864.2(DNAJC6):c.2254A>T (p.Thr752Ser)

Gene: DNAJC6 (DnaJ heat shock protein family (Hsp40) member C6; plus strand). Cytogenetic location: 1p31.3.
Variant type: single nucleotide variant.
Coding change: c.2254A>T on transcript NM_001256864.2 (MANE Select); coding-DNA position 2254, A replaced by T.
Protein change: p.Thr752Ser; replaces threonine 752 with serine.
Molecular consequence: missense variant.
Genome position (GRCh38, 1-based): chr1:65,405,896, A>T. VCF-style: chr1-65405896-A-T. GRCh37 (hg19) VCF-style: chr1-65871579-A-T.
Other names: c.2044A>T, p.Thr682Ser (NM_001256865.2); c.2083A>T, p.Thr695Ser (NM_014787.4); c.2083A>T (NM_014787.2); short protein forms T682S, T695S, T752S.
Identifiers: ClinVar variation 704007 (VCV000704007.15), dbSNP rs113143702, ClinGen allele CA894131.

ClinVar aggregate classification (germline): Likely benign. Review status: criteria provided, multiple submitters, no conflicts (2 of 4 stars). 4 submissions from 4 submitters: Likely benign (3). 1 of the submissions does not count toward it. Last evaluated 2025-07-16.

Conditions:
Inborn genetic diseases. Identifiers: MedGen C0950123, MeSH D030342.
DNAJC6-related disorder. Also called: DNAJC6-related condition; DNAJC6-Related Disorders.
Juvenile onset Parkinson disease 19A. Also called: DNAJC6 Parkinson Disease; PARK19. Identifiers: Orphanet 391411, MedGen C3809811, MONDO:0014231, OMIM 615528.

Allele frequency attached by ClinVar (database versions not stated): gnomAD exomes 0.00019 and 0.00054; ExAC 0.00073; 1000 Genomes Project 30x 0.00125; 1000 Genomes Project 0.00160; gnomAD 0.00195 and 0.00201; TOPMed 0.00213; ESP Exome Variant Server 0.00231.
gnomAD v4.1: 582 of 1,609,444 alleles (0.036%); highest among the groups gnomAD compares: African/African-American, 0.71%; 3 homozygotes.

Submissions (4):

Labcorp Genetics (formerly Invitae), Labcorp
Classification: Likely benign for Juvenile onset Parkinson disease 19A. Last evaluated: 2025-07-16. Review status: criteria provided, single submitter. Criteria: Invitae Variant Classification Sherloc (09022015). Collection method: clinical testing. Allele origin: germline.

Ambry Genetics
Classification: Likely benign for Inborn genetic diseases. Last evaluated: 2024-11-21. Review status: criteria provided, single submitter. Criteria: Ambry Variant Classification Scheme 2023. Collection method: clinical testing. Allele origin: germline.

Blueprint Genetics
Classification: Likely benign. Last evaluated: 2024-11-13. Review status: criteria provided, single submitter. Criteria: ACMG Guidelines, 2015. Collection method: clinical testing. Allele origin: germline.

PreventionGenetics, part of Exact Sciences
Classification: Benign for DNAJC6-related condition. Last evaluated: 2019-09-24. Review status: no assertion criteria provided. Collection method: clinical testing. Allele origin: germline. Not counted in ClinVar's aggregate classification.
Comment: This variant is classified as benign based on ACMG/AMP sequence variant interpretation guidelines (Richards et al. 2015 PMID: 25741868, with internal and published modifications).